The following is an entry in ClinVar:

NM_020433.5(JPH2):c.380-9C>G

Gene: JPH2 (junctophilin 2; minus strand). Cytogenetic location: 20q13.12.
Variant type: single nucleotide variant.
Coding change: c.380-9C>G on transcript NM_020433.5 (MANE Select); 9 bases into the intron before coding-DNA position 380, C replaced by G.
Molecular consequence: intron variant.
Genome position (GRCh38, 1-based): chr20:44,160,416, G>C on the plus strand (C>G on the coding strand, the complement: JPH2 is on the minus strand). VCF-style: chr20-44160416-G-C. GRCh37 (hg19) VCF-style: chr20-42789056-G-C.
Other names: p.?.
Identifiers: ClinVar variation 137603 (VCV000137603.33), dbSNP rs111987307, ClinGen allele CA333087.

ClinVar aggregate classification (germline): Benign/Likely benign. Review status: criteria provided, multiple submitters, no conflicts (2 of 4 stars). 11 submissions from 11 submitters: Benign (6); Likely benign (1). 4 of the submissions do not count toward it. Last evaluated 2026-01-28.

Conditions:
Hypertrophic cardiomyopathy 17. Identifiers: MedGen C3151264, MONDO:0013474, OMIM 613873.
Hypertrophic cardiomyopathy. Also called: HYPERTROPHIC MYOCARDIOPATHY. Identifiers: Orphanet 217569, MedGen C0007194, MeSH D002312, MONDO:0005045, HP:0001639.

Allele frequency attached by ClinVar (database versions not stated): ESP Exome Variant Server 0.00193; TOPMed 0.00282; ExAC 0.00513; gnomAD 0.00419 and 0.00423; 1000 Genomes Project 0.00300; gnomAD exomes 0.00438 and 0.00401; 1000 Genomes Project 30x 0.00312.

Submissions (17):

Labcorp Genetics (formerly Invitae), Labcorp
Classification: Benign for Hypertrophic cardiomyopathy. Last evaluated: 2026-01-28. Review status: criteria provided, single submitter. Criteria: Invitae Variant Classification Sherloc (09022015). Collection method: clinical testing. Allele origin: germline.

Molecular Diagnostic Laboratory for Inherited Cardiovascular Disease, Montreal Heart Institute
Classification: Benign. Last evaluated: 2025-04-09. Review status: criteria provided, single submitter. Criteria: ACMG Guidelines, 2015. Collection method: clinical testing. Allele origin: germline. Affected: no.

Blueprint Genetics
Classification: Likely benign. Last evaluated: 2024-11-28. Review status: criteria provided, single submitter. Criteria: ACMG Guidelines, 2015. Collection method: clinical testing. Allele origin: germline.

Mayo Clinic Laboratories, Mayo Clinic
Classification: Benign. Last evaluated: 2024-09-24. Review status: criteria provided, single submitter. Criteria: ACMG Guidelines, 2015. Collection method: clinical testing. Allele origin: germline. Observed: 9 variant alleles.
Comment: BS1, BS2, BP4, BP7

ARUP Laboratories, Molecular Genetics and Genomics, ARUP Laboratories
Classification: Benign. Last evaluated: 2022-04-15. Review status: criteria provided, single submitter. Criteria: ARUP Molecular Germline Variant Investigation Process 2021. Collection method: clinical testing. Allele origin: germline.

Laboratory for Molecular Medicine, Mass General Brigham Personalized Medicine
Classification: Benign. Last evaluated: 2015-04-01. Review status: criteria provided, single submitter. Criteria: LMM Criteria. Collection method: clinical testing. Allele origin: germline. Observed: 6 variant alleles.
Comment: c.380-9C>G in intron 1 of JPH2: This variant is not expected to have clinical si gnificance because it has been identified in 2.9% (78/2666) of Finnish chromosom es by the Exome Aggregation Consortium (ExAC; db SNP rs111987307).

GeneDx
Classification: Benign. Last evaluated: 2014-03-06. Review status: criteria provided, single submitter. Criteria: GeneDx Variant Classification (06012015). Collection method: clinical testing. Allele origin: germline. Affected: yes.
Comment: This variant is considered likely benign or benign based on one or more of the following criteria: it is a conservative change, it occurs at a poorly conserved position in the protein, it is predicted to be benign by multiple in silico algorithms, and/or has population frequency not consistent with disease.

Clinical Genetics DNA and cytogenetics Diagnostics Lab, Erasmus MC, Erasmus Medical Center
Classification: Likely benign. Review status: no assertion criteria provided. Collection method: clinical testing. Allele origin: germline. Affected: yes. Study: VKGL Data-share Consensus. Not counted in ClinVar's aggregate classification.

Clinical Genetics, Academic Medical Center
Classification: Benign. Review status: no assertion criteria provided. Collection method: clinical testing. Allele origin: germline. Affected: yes. Study: VKGL Data-share Consensus. Not counted in ClinVar's aggregate classification.

Diagnostic Laboratory, Department of Genetics, University Medical Center Groningen
Classification: Likely benign for Hypertrophic cardiomyopathy 17. Review status: no assertion criteria provided. Collection method: clinical testing. Allele origin: germline. Affected: yes. Study: VKGL Data-share Consensus. Not counted in ClinVar's aggregate classification.

Dr. Peter K. Rogan Lab, Western University
No classification provided (evidence only). Condition: Lung cancer. Review status: no classification provided. Collection method: in vitro. Allele origin: not applicable. Functional consequence: retained intron. Not counted in ClinVar's aggregate classification.

Dr. Peter K. Rogan Lab, Western University
No classification provided (evidence only). Condition: Sarcoma. Review status: no classification provided. Collection method: in vitro. Allele origin: not applicable. Functional consequence: skipped exon, retained intron. Not counted in ClinVar's aggregate classification.

Dr. Peter K. Rogan Lab, Western University
No classification provided (evidence only). Condition: Sarcoma. Review status: no classification provided. Collection method: in vitro. Allele origin: not applicable. Functional consequence: skipped exon. Not counted in ClinVar's aggregate classification.

Dr. Peter K. Rogan Lab, Western University
No classification provided (evidence only). Condition: Ovarian serous cystadenocarcinoma. Review status: no classification provided. Collection method: in vitro. Allele origin: not applicable. Functional consequence: retained intron. Not counted in ClinVar's aggregate classification.

Dr. Peter K. Rogan Lab, Western University
No classification provided (evidence only). Condition: Gastric cancer. Review status: no classification provided. Collection method: in vitro. Allele origin: not applicable. Functional consequence: retained intron. Not counted in ClinVar's aggregate classification.

Dr. Peter K. Rogan Lab, Western University
No classification provided (evidence only). Condition: Gastric cancer. Review status: no classification provided. Collection method: in vitro. Allele origin: not applicable. Functional consequence: retained intron. Not counted in ClinVar's aggregate classification.

Joint Genome Diagnostic Labs from Nijmegen and Maastricht, Radboudumc and MUMC+
Classification: Benign. Review status: no assertion criteria provided. Collection method: clinical testing. Allele origin: germline. Affected: yes. Study: VKGL Data-share Consensus. Not counted in ClinVar's aggregate classification.